The following is an entry in ClinVar:

ClinVar aggregate classification (germline): Pathogenic. Review status: criteria provided, multiple submitters, no conflicts (2 of 4 stars). 3 submissions from 3 submitters: Pathogenic (3). Last evaluated 2025-02-14.

Conditions:
Methylmalonic acidemia (MMA). Also called: Isolated Methylmalonic Acidemia. Identifiers: MedGen C0268583, MeSH C537358, MONDO:0002012, HP:0002912.
Methylmalonic aciduria due to complete methylmalonyl-CoA mutase deficiency.

Allele frequency attached by ClinVar (database versions not stated): gnomAD exomes below 0.00001.
gnomAD v4.1: 3 of 1,600,546 alleles (0.00019%); highest among the groups gnomAD compares: Middle Eastern, 0.016%; no homozygotes.

Submissions (3):

Women's Health and Genetics/Laboratory Corporation of America, LabCorp
Classification: Pathogenic for Methylmalonic acidemia. Last evaluated: 2025-02-14. Review status: criteria provided, single submitter. Criteria: LabCorp Variant Classification Summary - May 2015. Collection method: clinical testing. Allele origin: germline.
Comment: Variant summary: MMUT c.394C>T (p.Gln132X) results in a premature termination codon, predicted to cause absence of the protein due to nonsense mediated decay, which is a commonly known mechanism for disease. The variant was absent in 240020 control chromosomes (gnomAD). c.394C>T has been reported in the literature in individuals affected with Methylmalonic Acidemia (e.g. Dundar_2012). The following publication has been ascertained in the context of this evaluation (PMID: 22727635). ClinVar contains an entry for this variant (Variation ID: 534566). Based on the evidence outlined above, the variant was classified as pathogenic.

Natera, Inc.
Classification: Pathogenic for Methylmalonic aciduria due to complete methylmalonyl-CoA mutase deficiency. Last evaluated: 2024-03-28. Review status: criteria provided, single submitter. Criteria: Natera Variant Classification Schema (03/2026). Collection method: clinical testing. Allele origin: germline.
Comment: The c.394C>T variant in MMUT is a nonsense variant predicted to introduce a stop codon at amino acid 132. This variant is expected to result in nonsense mediated decay, truncation, or a dysfunctional protein product. This variant is rare in the general population with a frequency below the threshold expected for the associated phenotype(s). This variant has been observed in one or more individuals affected with the associated recessive disease, as either homozygous or compound heterozygous with a second variant (PMID: 27167370). Given the available evidence, this variant is classified as Pathogenic.

Labcorp Genetics (formerly Invitae), Labcorp
Classification: Pathogenic. Last evaluated: 2023-06-11. Review status: criteria provided, single submitter. Criteria: Invitae Variant Classification Sherloc (09022015). Collection method: clinical testing. Allele origin: germline.
Comment: This sequence change creates a premature translational stop signal (p.Gln132*) in the MUT gene. It is expected to result in an absent or disrupted protein product. Loss-of-function variants in MUT are known to be pathogenic (PMID: 15781192). This variant is not present in population databases (gnomAD no frequency). This premature translational stop signal has been observed in individual(s) with methylmalonic acidemia (PMID: 22727635). ClinVar contains an entry for this variant (Variation ID: 534566). For these reasons, this variant has been classified as Pathogenic.

Literature cited by the submitters: PubMed 22727635 (cited by Women's Health and Genetics/Laboratory Corporation of America, LabCorp and Labcorp Genetics (formerly Invitae), Labcorp); PubMed 27167370 (cited by Natera, Inc.); PubMed 15781192 (cited by Labcorp Genetics (formerly Invitae), Labcorp).

NM_000255.4(MMUT):c.394C>T (p.Gln132Ter)

Gene: MMUT (methylmalonyl-CoA mutase; minus strand). Cytogenetic location: 6p12.3.
Variant type: single nucleotide variant.
Coding change: c.394C>T on transcript NM_000255.4 (MANE Select); coding-DNA position 394, C replaced by T.
Protein change: p.Gln132Ter; replaces glutamine 132 with a stop codon.
Molecular consequence: nonsense.
Genome position (GRCh38, 1-based): chr6:49,458,050, G>A on the plus strand (C>T on the coding strand, the complement: MMUT is on the minus strand). VCF-style: chr6-49458050-G-A. GRCh37 (hg19) VCF-style: chr6-49425763-G-A.
Other names: short protein forms Q132*.
Identifiers: ClinVar variation 534566 (VCV000534566.12), dbSNP rs1554160743, ClinGen allele CA364404817.